The following is an entry in ClinVar:

NM_002291.3(LAMB1):c.1189+56C>T

Gene: LAMB1 (laminin subunit beta 1; minus strand). Cytogenetic location: 7q31.1.
Variant type: single nucleotide variant.
Coding change: c.1189+56C>T on transcript NM_002291.3 (MANE Select); 56 bases into the intron after coding-DNA position 1189, C replaced by T.
Molecular consequence: intron variant.
Genome position (GRCh38, 1-based): chr7:107,975,633, G>A on the plus strand (C>T on the coding strand, the complement: LAMB1 is on the minus strand). VCF-style: chr7-107975633-G-A. GRCh37 (hg19) VCF-style: chr7-107616078-G-A.
Identifiers: ClinVar variation 682970 (VCV000682970.2), dbSNP rs11770342, ClinGen allele CA12702960.

ClinVar aggregate classification (germline): Benign. Review status: criteria provided, multiple submitters, no conflicts (2 of 4 stars). 2 submissions from 2 submitters: Benign (2). Last evaluated 2018-06-14.

Allele frequency attached by ClinVar (database versions not stated): gnomAD exomes 0.09461; 1000 Genomes Project 0.09724; gnomAD 0.10022 and 0.10062; 1000 Genomes Project 30x 0.10087; TOPMed 0.10768.
gnomAD v4.1: 144,172 of 1,513,398 alleles (9.5%); highest among the groups gnomAD compares: Admixed American, 15%; 7,355 homozygotes.

Submissions (2):

GeneDx
Classification: Benign. Last evaluated: 2018-06-14. Review status: criteria provided, single submitter. Criteria: GeneDx Variant Classification (06012015). Collection method: clinical testing. Allele origin: germline. Affected: yes.
Comment: This variant is considered likely benign or benign based on one or more of the following criteria: it is a conservative change, it occurs at a poorly conserved position in the protein, it is predicted to be benign by multiple in silico algorithms, and/or has population frequency not consistent with disease.

Breakthrough Genomics
Classification: Benign. Review status: criteria provided, single submitter. Criteria: ACMG Guidelines, 2015. Collection method: not provided. Allele origin: germline. Inheritance: Autosomal recessive inheritance. Affected: yes.